The following is an entry in ClinVar:

NM_006231.4(POLE):c.3831G>T (p.Lys1277Asn)

Gene: POLE (DNA polymerase epsilon, catalytic subunit; minus strand). Cytogenetic location: 12q24.33.
Variant type: single nucleotide variant.
Coding change: c.3831G>T on transcript NM_006231.4 (MANE Select); coding-DNA position 3831, G replaced by T.
Protein change: p.Lys1277Asn; replaces lysine 1277 with asparagine.
Molecular consequence: missense variant.
Genome position (GRCh38, 1-based): chr12:132,649,480, C>A on the plus strand (G>T on the coding strand, the complement: POLE is on the minus strand). VCF-style: chr12-132649480-C-A. GRCh37 (hg19) VCF-style: chr12-133226066-C-A.
Other names: short protein forms K1277N.
Identifiers: ClinVar variation 3308382 (VCV003308382.1).

ClinVar aggregate classification (germline): Uncertain significance (1 of 4 stars; one submission).

Conditions:
Hereditary cancer-predisposing syndrome. Also called: Neoplastic Syndromes, Hereditary; Tumor predisposition; Hereditary neoplastic syndrome; Hereditary Cancer Syndrome. Identifiers: Orphanet 140162, MedGen C0027672, MeSH D009386, MONDO:0015356.

Submission:

Ambry Genetics
Classification: Uncertain significance for Hereditary cancer-predisposing syndrome. Last evaluated: 2024-04-18. Review status: criteria provided, single submitter. Criteria: Ambry Variant Classification Scheme 2023. Collection method: clinical testing. Allele origin: germline.
Comment: The p.K1277N variant (also known as c.3831G>T), located in coding exon 31 of the POLE gene, results from a G to T substitution at nucleotide position 3831. The lysine at codon 1277 is replaced by asparagine, an amino acid with similar properties. This amino acid position is conserved. In addition, this alteration is predicted to be tolerated by in silico analysis. Based on the available evidence, the clinical significance of this variant remains unclear.